The following is an entry in ClinVar:

ClinVar aggregate classification (germline): Uncertain significance (3 of 4 stars; one submission).

Conditions:
Monogenic diabetes. Identifiers: Orphanet 183625, MedGen C3888631, MONDO:0015967.

Submission:

ClinGen Monogenic Diabetes Variant Curation Expert Panel
Classification: Uncertain significance for Monogenic diabetes. Last evaluated: 2025-07-24. Review status: reviewed by expert panel. Criteria: ClinGen Diabetes ACMG Specifications HNF1A V3.0.0. Collection method: curation. Allele origin: germline. Inheritance: Autosomal dominant inheritance.
Comment: The c.732A>T variant in the HNF1 homeobox A gene, HNF1A, causes an amino acid change of arginine to serine at codon 244 (p.Arg244Ser) of NM_000545.8. This variant is located within a conserved region of the DNA binding domain (codons 107-174 and 201-280) of HNF1A, which is defined as critical for the protein’s function by the ClinGen MDEP (PM1_Supporting). This variant is also absent from gnomAD v2.1.1 and v.4.1.0 (PM2_Supporting). This variant is predicted to be deleterious by computational evidence, with a REVEL score of 0.723, which is greater than the MDEP VCEP threshold of 0.70 (PP3). This variant was identified in an individual with diabetes; however, the calculated MODY probability is <50% (internal lab contributors), so PP4 cannot be applied. Another missense variant, c.731G>T (p.Arg244Ile), has been classified as a VUS by the ClinGen MDEP; therefore, PM5 cannot be applied. In summary, c.732A>T meets the criteria to be classified as a variant of uncertain significance for monogenic diabetes. ACMG/AMP criteria applied, as specified by the ClinGen MDEP (specification version 3.0.0, approved 6/30/2025): PM1_Supporting, PM2_Supporting, PP3.

NM_000545.8(HNF1A):c.732A>T (p.Arg244Ser)

Gene: HNF1A (HNF1 homeobox A; plus strand). Cytogenetic location: 12q24.31.
Variant type: single nucleotide variant.
Coding change: c.732A>T on transcript NM_000545.8 (MANE Select); coding-DNA position 732, A replaced by T.
Protein change: p.Arg244Ser; replaces arginine 244 with serine.
Molecular consequence: missense variant.
Genome position (GRCh38, 1-based): chr12:120,994,182, A>T. VCF-style: chr12-120994182-A-T. GRCh37 (hg19) VCF-style: chr12-121431985-A-T.
Other names: NM_001306179.1:c.732A>T; c.732A>T, p.Arg244Ser (NM_001306179.2); short protein forms R244S.
Identifiers: ClinVar variation 1676713 (VCV001676713.4), dbSNP rs2135841190, ClinGen allele CA386965838.
Genomic context (GRCh38, chr12:120,994,182, plus strand): 5'-TCTGAGCCTGGCCTGGAGGCTCATGGGTGGCTATTTCTGCAGGGCGGAATGCATCCAGAG[A>T]GGGGTGTCCCCATCACAGGCACAGGGGCTGGGCTCCAACCTCGTCACGGAGGTGCGTGTC-3'
Protein context (NP_000536.6, residues 234-254): EECNRAECIQ[Arg244Ser]GVSPSQAQGL